The following is an entry in ClinVar:

NM_000063.6(C2):c.768C>G (p.Tyr256Ter)

Gene: C2 (complement C2; plus strand). Cytogenetic location: 6p21.33.
Variant type: single nucleotide variant.
Coding change: c.768C>G on transcript NM_000063.6 (MANE Select); coding-DNA position 768, C replaced by G.
Protein change: p.Tyr256Ter; replaces tyrosine 256 with a stop codon.
Molecular consequence: nonsense. On other transcripts: intron variant (2).
Genome position (GRCh38, 1-based): chr6:31,934,218, C>G. VCF-style: chr6-31934218-C-G. GRCh37 (hg19) VCF-style: chr6-31901995-C-G.
Other names: c.681C>G, p.Tyr227Ter (NM_001282458.2); c.768C>G, p.Tyr256Ter (NM_001282459.2); c.111+435C>G (NM_001282457.2); c.346+253C>G (NM_001178063.3); c.372C>G, p.Tyr124Ter (NM_001145903.3); short protein forms Y227*, Y124*, Y256*.
Identifiers: ClinVar variation 2965736 (VCV002965736.3), dbSNP rs761619655, ClinGen allele CA3727510.

ClinVar aggregate classification (germline): Pathogenic (1 of 4 stars; one submission).

Allele frequency attached by ClinVar (database versions not stated): gnomAD exomes below 0.00001; ExAC 0.00001.
gnomAD v4.1: 2 of 1,614,188 alleles (0.00012%); highest among the groups gnomAD compares: Non-Finnish European, 0.000085%; no homozygotes.

Submission:

Labcorp Genetics (formerly Invitae), Labcorp
Classification: Pathogenic. Last evaluated: 2023-01-13. Review status: criteria provided, single submitter. Criteria: Invitae Variant Classification Sherloc (09022015). Collection method: clinical testing. Allele origin: germline.
Comment: For these reasons, this variant has been classified as Pathogenic. Algorithms developed to predict the effect of sequence changes on RNA splicing suggest that this variant may disrupt the consensus splice site. This variant has not been reported in the literature in individuals affected with C2-related conditions. This variant is present in population databases (rs761619655, gnomAD 0.0009%). This sequence change creates a premature translational stop signal (p.Tyr256*) in the C2 gene. It is expected to result in an absent or disrupted protein product. Loss-of-function variants in C2 are known to be pathogenic (PMID: 1577763, 9616367).

Literature cited by the submitters: PubMed 1577763; PubMed 9616367.